The following is an entry in ClinVar:

NM_005502.4(ABCA1):c.2129T>C (p.Leu710Pro)

Gene: ABCA1 (ATP binding cassette subfamily A member 1; minus strand). Cytogenetic location: 9q31.1.
Variant type: single nucleotide variant.
Coding change: c.2129T>C on transcript NM_005502.4 (MANE Select); coding-DNA position 2129, T replaced by C.
Protein change: p.Leu710Pro; replaces leucine 710 with proline.
Molecular consequence: missense variant.
Genome position (GRCh38, 1-based): chr9:104,827,156, A>G on the plus strand (T>C on the coding strand, the complement: ABCA1 is on the minus strand). VCF-style: chr9-104827156-A-G. GRCh37 (hg19) VCF-style: chr9-107589437-A-G.
Other names: short protein forms L710P.
Identifiers: ClinVar variation 4235583 (VCV004235583.1).

ClinVar aggregate classification (germline): Uncertain significance (1 of 4 stars; one submission).

Conditions:
Cardiovascular phenotype. Identifiers: MedGen CN230736.

Submission:

Ambry Genetics
Classification: Uncertain significance for Cardiovascular phenotype. Last evaluated: 2025-08-03. Review status: criteria provided, single submitter. Criteria: Ambry Variant Classification Scheme 2023. Collection method: clinical testing. Allele origin: germline.
Comment: The p.L710P variant (also known as c.2129T>C), located in coding exon 15 of the ABCA1 gene, results from a T to C substitution at nucleotide position 2129. The leucine at codon 710 is replaced by proline, an amino acid with similar properties. This amino acid position is conserved. In addition, this alteration is predicted to be deleterious by in silico analysis. Based on the available evidence, the clinical significance of this variant remains unclear.